The following is an entry in ClinVar:

ClinVar aggregate classification (germline): Likely benign. Review status: criteria provided, multiple submitters, no conflicts (2 of 4 stars). 2 submissions from 2 submitters: Likely benign (2). Last evaluated 2023-07-10.

Conditions:
Intellectual developmental disorder, autosomal dominant 1. Also called: MBD5 Haploinsufficiency; Intellectual disability, autosomal dominant 1. Identifiers: Orphanet 228402, MedGen C1969562, MONDO:0007974, OMIM 156200.

Allele frequency attached by ClinVar (database versions not stated): ExAC 0.00001; gnomAD exomes below 0.00001; TOPMed 0.00003; gnomAD 0.00005.
gnomAD v4.1: 9 of 1,613,728 alleles (0.00056%); highest among the groups gnomAD compares: African/African-American, 0.011%; no homozygotes.

Submissions (2):

Labcorp Genetics (formerly Invitae), Labcorp
Classification: Likely benign for Intellectual developmental disorder, autosomal dominant 1. Last evaluated: 2023-07-10. Review status: criteria provided, single submitter. Criteria: Invitae Variant Classification Sherloc (09022015). Collection method: clinical testing. Allele origin: germline.

GeneDx
Classification: Likely benign. Last evaluated: 2016-12-15. Review status: criteria provided, single submitter. Criteria: GeneDx Variant Classification (06012015). Collection method: clinical testing. Allele origin: germline. Affected: yes.
Comment: This variant is considered likely benign or benign based on one or more of the following criteria: it is a conservative change, it occurs at a poorly conserved position in the protein, it is predicted to be benign by multiple in silico algorithms, and/or has population frequency not consistent with disease.

NM_001378120.1(MBD5):c.1449T>C (p.Ser483=)

Gene: MBD5 (methyl-CpG binding domain protein 5; plus strand). Cytogenetic location: 2q23.1.
Variant type: single nucleotide variant.
Coding change: c.1449T>C on transcript NM_001378120.1 (MANE Select); coding-DNA position 1449, T replaced by C.
Protein change: p.Ser483=; no amino-acid change (serine 483 retained).
Molecular consequence: synonymous variant.
Genome position (GRCh38, 1-based): chr2:148,469,392, T>C. VCF-style: chr2-148469392-T-C. GRCh37 (hg19) VCF-style: chr2-149226961-T-C.
Other names: c.1449T>C, p.Ser483= (NM_018328.5).
Identifiers: ClinVar variation 391743 (VCV000391743.10), dbSNP rs777754350, ClinGen allele CA1900014.